The following is an entry in ClinVar:

NM_000124.4(ERCC6):c.2548del (p.Ile850fs)

Gene: ERCC6 (ERCC excision repair 6, chromatin remodeling factor; minus strand). Cytogenetic location: 10q11.23.
Variant type: Deletion.
Coding change: c.2548del on transcript NM_000124.4 (MANE Select); coding-DNA position 2548, one base deleted (A; older notation c.2548delA).
Protein change: p.Ile850fs; shifts the reading frame from isoleucine 850.
Molecular consequence: frameshift variant.
Genome position (GRCh38, 1-based): chr10:49,474,077, T deleted on the plus strand (A on the coding strand, the reverse complement: ERCC6 is on the minus strand); the first of 4 consecutive T bases (chr10:49,474,077-49,474,080); deleting any one gives the same sequence. VCF-style (leftmost placement, unchanged base first): chr10-49474076-AT-A. GRCh37 (hg19) VCF-style: chr10-50682122-AT-A.
Other names: c.2548del, p.Ile850fs (NM_001346440.2); short protein forms I850fs.
Identifiers: ClinVar variation 1724138 (VCV001724138.2), dbSNP rs2495984647, ClinGen allele CA2580081587.
Genomic context (GRCh38, chr10:49,474,076, plus strand): 5'-TGTGCACTCACCTGCCTTGACTGAGAAAACAGCAATACTCGCTGACCCTGCTTGTGCCAT[AT>A]TTTCAACAAAGACTCAACAACAATCATTTTCCCAGAACGTTTCCAGTACCCAAACTGATC-3'

ClinVar aggregate classification (germline): Likely pathogenic (1 of 4 stars; one submission).

Conditions:
Cockayne syndrome type 2 (CSB). Also called: COCKAYNE SYNDROME B; Cockayne Syndrome, Type II. Identifiers: Orphanet 191, Orphanet 90322, MedGen C0751038, MONDO:0019570, OMIM 133540.

Submission:

Myriad Genetics, Inc.
Classification: Likely pathogenic for Cockayne syndrome type 2. Last evaluated: 2022-01-27. Review status: criteria provided, single submitter. Criteria: Myriad Women's Health Autosomal Recessive and X-Linked Classification Criteria (2021). Collection method: clinical testing. Allele origin: unknown.
Comment: NM_000124.2(ERCC6):c.2548delA(I850Yfs*42) is expected to be pathogenic in the context of ERCC6-related disorders. This variant is predicted to lead to an abnormal or absent protein product due to the creation of a premature termination codon in ERCC6, a gene where loss-of-function variants are known to be pathogenic. Please note: this variant was assessed in the context of healthy population screening.